The following is an entry in ClinVar:

NM_152618.3(BBS12):c.998G>A (p.Gly333Glu)

Gene: BBS12 (Bardet-Biedl syndrome 12; plus strand). Cytogenetic location: 4q27.
Variant type: single nucleotide variant.
Coding change: c.998G>A on transcript NM_152618.3 (MANE Select); coding-DNA position 998, G replaced by A.
Protein change: p.Gly333Glu; replaces glycine 333 with glutamic acid.
Molecular consequence: missense variant.
Genome position (GRCh38, 1-based): chr4:122,742,890, G>A. VCF-style: chr4-122742890-G-A. GRCh37 (hg19) VCF-style: chr4-123664045-G-A.
Other names: c.998G>A, p.Gly333Glu (NM_001178007.2); short protein forms G333E.
Identifiers: ClinVar variation 3339355 (VCV003339355.2).

ClinVar aggregate classification (germline): Uncertain significance. Review status: criteria provided, multiple submitters, no conflicts (2 of 4 stars). 2 submissions from 2 submitters: Uncertain significance (2). Last evaluated 2025-11-24.

Conditions:
Bardet-Biedl syndrome 12 (BBS12). Identifiers: Orphanet 110, MedGen C1859570, MONDO:0014440, OMIM 615989.

gnomAD v4.1: 1 of 1,614,182 alleles (0.000062%); highest among the groups gnomAD compares: Non-Finnish European, 0.000085%; no homozygotes.

Submissions (2):

Myriad Genetics, Inc.
Classification: Uncertain significance for Bardet-Biedl syndrome 12. Last evaluated: 2025-11-24. Review status: criteria provided, single submitter. Criteria: Myriad Autosomal Dominant, Autosomal Recessive and X-Linked Classification Criteria (2023). Collection method: clinical testing. Allele origin: unknown.
Comment: NM_152618.2(BBS12):c.998G>A(G333E) is a missense variant classified as a variant of uncertain significance in the context of Bardet-Biedl syndrome, BBS12-related. G333E has been observed in a case with relevant disease (PMID: 21052717). Relevant functional assessments of this variant are not available in the literature. G333E has not been observed in referenced population frequency databases. In summary, there is insufficient evidence to classify NM_152618.2(BBS12):c.998G>A(G333E) as pathogenic or benign. Please note: this variant was assessed in the context of healthy population screening.

Women's Health and Genetics/Laboratory Corporation of America, LabCorp
Classification: Uncertain significance. Last evaluated: 2024-07-24. Review status: criteria provided, single submitter. Criteria: LabCorp Variant Classification Summary - May 2015. Collection method: clinical testing. Allele origin: germline.
Comment: Variant summary: BBS12 c.998G>A (p.Gly333Glu) results in a non-conservative amino acid change in the encoded protein sequence. Five of five in-silico tools predict a damaging effect of the variant on protein function. The variant was absent in 251288 control chromosomes. c.998G>A has been reported in the literature in the homozygous state in at least 1 individual affected with Bardet-Biedl Syndrome (example, Janssen_2011). These data indicate that the variant may be associated with disease. To our knowledge, no experimental evidence demonstrating an impact on protein function has been reported. The following publication has been ascertained in the context of this evaluation (PMID: 21052717). No submitters have cited clinical-significance assessments for this variant to ClinVar. Based on the evidence outlined above, the variant was classified as VUS-possibly pathogenic.

Literature cited by the submitters: PubMed 21052717 (cited by Myriad Genetics, Inc. and Women's Health and Genetics/Laboratory Corporation of America, LabCorp).